The following is an entry in ClinVar:

NM_000521.4(HEXB):c.445+1G>A

Gene: HEXB (hexosaminidase subunit beta; plus strand). Cytogenetic location: 5q13.3.
Variant type: single nucleotide variant.
Coding change: c.445+1G>A on transcript NM_000521.4 (MANE Select); the canonical splice donor site of the intron after coding-DNA position 445, G replaced by A.
Molecular consequence: splice donor variant.
Genome position (GRCh38, 1-based): chr5:74,689,474, G>A. VCF-style: chr5-74689474-G-A. GRCh37 (hg19) VCF-style: chr5-73985299-G-A.
Other names: c.-231+1G>A (NM_001292004.2).
Identifiers: ClinVar variation 633263 (VCV000633263.9), dbSNP rs761197472, ClinGen allele CA360063172.

ClinVar aggregate classification (germline): Pathogenic. Review status: criteria provided, multiple submitters, no conflicts (2 of 4 stars). 3 submissions from 3 submitters: Pathogenic (3). Last evaluated 2025-03-24.

Conditions:
Sandhoff disease. Also called: Beta-hexosaminidase-beta-subunit deficiency; GM2 gangliosidosis, type 2; Total hexosaminidase deficiency; Sandhoff-Jatzkewitz-Pilz disease; GM2-GANGLIOSIDOSIS, TYPE II; HEXOSAMINIDASES A AND B DEFICIENCY. Identifiers: Orphanet 796, MedGen C0036161, MONDO:0010006, OMIM 268800.

gnomAD v4.1: 2 of 1,612,774 alleles (0.00012%); highest among the groups gnomAD compares: Admixed American, 0.0033%; no homozygotes.

Submissions (3):

Natera, Inc.
Classification: Pathogenic for Sandhoff disease. Last evaluated: 2025-03-24. Review status: criteria provided, single submitter. Criteria: Natera Variant Classification Schema (03/2026). Collection method: clinical testing. Allele origin: germline.
Comment: The c.445+1G>A variant in HEXB is a canonical splice donor site variant predicted to affect pre-mRNA splicing, which may result in an abnormal transcript and altered protein product. This variant is expected to result in nonsense mediated decay, truncation, or a dysfunctional protein product. This variant is rare in the general population with a frequency below the threshold expected for the associated phenotype(s). This variant has been observed in one or more individuals affected with the associated recessive disease, as either homozygous or compound heterozygous with a second variant (PMID: 1390948). Given the available evidence, this variant is classified as Pathogenic.

Labcorp Genetics (formerly Invitae), Labcorp
Classification: Pathogenic for Sandhoff disease. Last evaluated: 2022-05-25. Review status: criteria provided, single submitter. Criteria: Invitae Variant Classification Sherloc (09022015). Collection method: clinical testing. Allele origin: germline.
Comment: This sequence change affects a donor splice site in intron 2 of the HEXB gene. It is expected to disrupt RNA splicing. Variants that disrupt the donor or acceptor splice site typically lead to a loss of protein function (PMID: 16199547), and loss-of-function variants in HEXB are known to be pathogenic (PMID: 7550345, 18758829). For these reasons, this variant has been classified as Pathogenic. Algorithms developed to predict the effect of sequence changes on RNA splicing suggest that this variant may disrupt the consensus splice site. ClinVar contains an entry for this variant (Variation ID: 633263). This variant is also known as IVS-2+1G>A. Disruption of this splice site has been observed in individual(s) with Sandhoff disease (PMID: 8076944, 22848519, 31852446). This variant is not present in population databases (gnomAD no frequency).

Women's Health and Genetics/Laboratory Corporation of America, LabCorp
Classification: Pathogenic for Sandhoff disease. Last evaluated: 2017-11-02. Review status: criteria provided, single submitter. Criteria: LabCorp Variant Classification Summary - May 2015. Collection method: clinical testing. Allele origin: germline.
Comment: Variant summary: The HEXB c.445+1G>A variant involves the alteration of a conserved intronic nucleotide. One in silico tool predicts a damaging outcome for this variant. 5/5 splice prediction tools predict the complete loss of a cannonical splice donor site. However, these predictions have yet to be confirmed by functional studies. The variant was reported in numerous affected individuals in the literature, especially in the Argentinean population (Kleiman_1994, Zampieri_2012). This variant is absent in 246172 control chromosomes. Taken together, this variant is classified as pathogenic.

Literature cited by the submitters: PubMed 1390948 (cited by Natera, Inc.); PubMed 16199547 (cited by Labcorp Genetics (formerly Invitae), Labcorp); PubMed 7550345 (cited by Labcorp Genetics (formerly Invitae), Labcorp); PubMed 18758829 (cited by Labcorp Genetics (formerly Invitae), Labcorp); PubMed 8076944 (cited by Labcorp Genetics (formerly Invitae), Labcorp and Women's Health and Genetics/Laboratory Corporation of America, LabCorp); PubMed 22848519 (cited by Labcorp Genetics (formerly Invitae), Labcorp and Women's Health and Genetics/Laboratory Corporation of America, LabCorp); PubMed 31852446 (cited by Labcorp Genetics (formerly Invitae), Labcorp).